The following is an entry in ClinVar:

NM_024649.5(BBS1):c.1125C>A (p.Ser375Arg)

Genes: BBS1 (Bardet-Biedl syndrome 1; plus strand), ZDHHC24 (zDHHC palmitoyltransferase 24; minus strand). Cytogenetic location: 11q13.2.
Variant type: single nucleotide variant.
Coding change: c.1125C>A on transcript NM_024649.5 (MANE Select); coding-DNA position 1125, C replaced by A.
Protein change: p.Ser375Arg; replaces serine 375 with arginine.
Molecular consequence: missense variant. On other transcripts: intron variant (1).
Genome position (GRCh38, 1-based): chr11:66,526,137, C>A. VCF-style: chr11-66526137-C-A. GRCh37 (hg19) VCF-style: chr11-66293608-C-A.
Other names: c.*21+799G>T (NM_001348571.2); short protein forms S375R.
Identifiers: ClinVar variation 2760957 (VCV002760957.3), dbSNP rs1565287512, ClinGen allele CA381422147.

ClinVar aggregate classification (germline): Likely pathogenic (1 of 4 stars; one submission).

Conditions:
Bardet-Biedl syndrome (BBS). Identifiers: Orphanet 110, MedGen C0752166, MONDO:0015229.

Submission:

Labcorp Genetics (formerly Invitae), Labcorp
Classification: Likely pathogenic for Bardet-Biedl syndrome. Last evaluated: 2023-09-15. Review status: criteria provided, single submitter. Criteria: Invitae Variant Classification Sherloc (09022015). Collection method: clinical testing. Allele origin: germline.
Comment: This sequence change replaces serine, which is neutral and polar, with arginine, which is basic and polar, at codon 375 of the BBS1 protein (p.Ser375Arg). This variant is not present in population databases (gnomAD no frequency). A different variant (c.1125C>G) giving rise to the same protein effect has been determined to be pathogenic (PMID: 30614526; Invitae). This suggests that this variant is also likely to be causative of disease. Advanced modeling of protein sequence and biophysical properties (such as structural, functional, and spatial information, amino acid conservation, physicochemical variation, residue mobility, and thermodynamic stability) performed at Invitae indicates that this missense variant is not expected to disrupt BBS1 protein function. In summary, the currently available evidence indicates that the variant is pathogenic, but additional data are needed to prove that conclusively. Therefore, this variant has been classified as Likely Pathogenic.

Literature cited by the submitters: PubMed 30614526.